The following is an entry in ClinVar:

ClinVar aggregate classification (germline): Uncertain significance (1 of 4 stars; one submission).

Submission:

Labcorp Genetics (formerly Invitae), Labcorp
Classification: Uncertain significance. Last evaluated: 2023-07-10. Review status: criteria provided, single submitter. Criteria: Invitae Variant Classification Sherloc (09022015). Collection method: clinical testing. Allele origin: germline.
Comment: In summary, the available evidence is currently insufficient to determine the role of this variant in disease. Therefore, it has been classified as a Variant of Uncertain Significance. Advanced modeling of protein sequence and biophysical properties (such as structural, functional, and spatial information, amino acid conservation, physicochemical variation, residue mobility, and thermodynamic stability) performed at Invitae indicates that this missense variant is not expected to disrupt FAT4 protein function. ClinVar contains an entry for this variant (Variation ID: 1715328). This variant has not been reported in the literature in individuals affected with FAT4-related conditions. This variant is not present in population databases (gnomAD no frequency). This sequence change replaces glutamine, which is neutral and polar, with histidine, which is basic and polar, at codon 2616 of the FAT4 protein (p.Gln2616His).

NM_001291303.3(FAT4):c.7854G>C (p.Gln2618His)

Gene: FAT4 (FAT atypical cadherin 4; plus strand). Cytogenetic location: 4q28.1.
Variant type: single nucleotide variant.
Coding change: c.7854G>C on transcript NM_001291303.3 (MANE Select); coding-DNA position 7854, G replaced by C.
Protein change: p.Gln2618His; replaces glutamine 2618 with histidine.
Molecular consequence: missense variant.
Genome position (GRCh38, 1-based): chr4:125,448,864, G>C. VCF-style: chr4-125448864-G-C. GRCh37 (hg19) VCF-style: chr4-126370019-G-C.
Other names: c.7854G>C, p.Gln2618His (NM_001291285.3); c.7848G>C, p.Gln2616His (NM_024582.6); short protein forms Q2616H, Q2618H.
Identifiers: ClinVar variation 1715328 (VCV001715328.6), dbSNP rs1725926885, ClinGen allele CA358143948.